The following is an entry in ClinVar:

ClinVar aggregate classification (germline): Uncertain significance. Review status: criteria provided, multiple submitters, no conflicts (2 of 4 stars). 2 submissions from 2 submitters: Uncertain significance (2). Last evaluated 2026-06-24.

Conditions:
MYO15A-related disorder. Also called: MYO15A-related condition.

Allele frequency attached by ClinVar (database versions not stated): gnomAD exomes 0.00001; TOPMed 0.00003; gnomAD 0.00005.
gnomAD v4.1: 14 of 1,613,904 alleles (0.00087%); highest among the groups gnomAD compares: African/African-American, 0.012%; no homozygotes.

Submissions (2):

PreventionGenetics, part of Exact Sciences
Classification: Uncertain significance for MYO15A-related condition. Last evaluated: 2026-06-24. Review status: criteria provided, single submitter. Criteria: ACMG Guidelines, 2015. Collection method: clinical testing. Allele origin: germline.
Comment: The MYO15A c.5432T>C variant is predicted to result in the amino acid substitution p.Val1811Ala. To our knowledge, this variant has not been reported in the literature. This variant is reported in 0.017% of alleles in individuals of African descent in gnomAD. At this time, the clinical significance of this variant is uncertain due to the absence of conclusive functional and genetic evidence.

Labcorp Genetics (formerly Invitae), Labcorp
Classification: Uncertain significance. Last evaluated: 2022-06-21. Review status: criteria provided, single submitter. Criteria: Invitae Variant Classification Sherloc (09022015). Collection method: clinical testing. Allele origin: germline.
Comment: This sequence change replaces valine, which is neutral and non-polar, with alanine, which is neutral and non-polar, at codon 1811 of the MYO15A protein (p.Val1811Ala). This variant is present in population databases (no rsID available, gnomAD 0.02%). This variant has not been reported in the literature in individuals affected with MYO15A-related conditions. Advanced modeling of protein sequence and biophysical properties (such as structural, functional, and spatial information, amino acid conservation, physicochemical variation, residue mobility, and thermodynamic stability) performed at Invitae indicates that this missense variant is not expected to disrupt MYO15A protein function. In summary, the available evidence is currently insufficient to determine the role of this variant in disease. Therefore, it has been classified as a Variant of Uncertain Significance.

NM_016239.4(MYO15A):c.5432T>C (p.Val1811Ala)

Gene: MYO15A (myosin XVA; plus strand). Cytogenetic location: 17p11.2.
Variant type: single nucleotide variant.
Coding change: c.5432T>C on transcript NM_016239.4 (MANE Select); coding-DNA position 5432, T replaced by C.
Protein change: p.Val1811Ala; replaces valine 1811 with alanine.
Molecular consequence: missense variant.
Genome position (GRCh38, 1-based): chr17:18,141,044, T>C. VCF-style: chr17-18141044-T-C. GRCh37 (hg19) VCF-style: chr17-18044358-T-C.
Other names: c.5432T>C (NM_016239.3); short protein forms V1811A.
Identifiers: ClinVar variation 2017068 (VCV002017068.2), dbSNP rs1040772196, ClinGen allele CA288403641.